The following is an entry in ClinVar:

ClinVar aggregate classification (germline): Conflicting classifications of pathogenicity. Review status: criteria provided, conflicting classifications (1 of 4 stars). 5 submissions from 5 submitters: Uncertain significance (3); Likely benign (2). Last evaluated 2025-03-02.

Conditions:
Hereditary breast ovarian cancer syndrome. Also called: Hereditary breast and ovarian cancer syndrome (HBOC); Hereditary breast and ovarian cancer syndrome; Breast and ovarian cancer; BRCA1- and BRCA2-Associated Hereditary Breast and Ovarian Cancer; Hereditary breast and ovarian cancer; Hereditary breast and/or ovarian cancer syndrome. Identifiers: Orphanet 145, MedGen C0677776, MeSH D061325, MONDO:0003582. Disease mechanism: loss of function.
Hereditary cancer-predisposing syndrome. Also called: Neoplastic Syndromes, Hereditary; Hereditary Cancer Syndrome; Hereditary neoplastic syndrome; Tumor predisposition. Identifiers: Orphanet 140162, MedGen C0027672, MeSH D009386, MONDO:0015356.

Allele frequency attached by ClinVar (database versions not stated): TOPMed 0.00001.
gnomAD v4.1: 1 of 1,603,064 alleles (0.000062%); no homozygotes.

Submissions (5):

Labcorp Genetics (formerly Invitae), Labcorp
Classification: Uncertain significance for Hereditary breast ovarian cancer syndrome. Last evaluated: 2025-03-02. Review status: criteria provided, single submitter. Criteria: Invitae Variant Classification Sherloc (09022015). Collection method: clinical testing. Allele origin: germline.
Comment: This sequence change replaces cysteine, which is neutral and slightly polar, with tyrosine, which is neutral and polar, at codon 647 of the BRCA2 protein (p.Cys647Tyr). This variant is not present in population databases (gnomAD no frequency). This missense change has been observed in individual(s) with BRCA2-related conditions (PMID: 21520333). ClinVar contains an entry for this variant (Variation ID: 479311). Invitae Evidence Modeling of protein sequence and biophysical properties (such as structural, functional, and spatial information, amino acid conservation, physicochemical variation, residue mobility, and thermodynamic stability) indicates that this missense variant is not expected to disrupt BRCA2 protein function with a negative predictive value of 95%. In summary, the available evidence is currently insufficient to determine the role of this variant in disease. Therefore, it has been classified as a Variant of Uncertain Significance.

Ambry Genetics
Classification: Likely benign for Hereditary cancer-predisposing syndrome. Last evaluated: 2025-03-01. Review status: criteria provided, single submitter. Criteria: Ambry Variant Classification Scheme 2023. Collection method: clinical testing. Allele origin: germline.

University of Washington Department of Laboratory Medicine, University of Washington
Classification: Likely benign for Hereditary cancer-predisposing syndrome. Last evaluated: 2023-03-23. Review status: criteria provided, single submitter. Criteria: Dines et al. (Genet Med. 2020). Collection method: curation. Allele origin: germline.
Comment: Missense variant in a coldspot region where missense variants are very unlikely to be pathogenic (PMID:31911673).

BRCA2 exon 11 coldspot. Reclassification based on statistical prior probability.

GeneDx
Classification: Uncertain significance. Last evaluated: 2019-09-30. Review status: criteria provided, single submitter. Criteria: GeneDx Variant Classification Process June 2021. Collection method: clinical testing. Allele origin: germline. Affected: yes.
Comment: Not observed in large population cohorts (Lek et al., 2016); In silico analysis, which includes protein predictors and evolutionary conservation, supports a deleterious effect; Has not been previously published as pathogenic or benign to our knowledge; Also known as BRCA2 2168G>A; This variant is associated with the following publications: (PMID: 21520333)

Quest Diagnostics Nichols Institute San Juan Capistrano
Classification: Uncertain significance. Last evaluated: 2018-03-10. Review status: criteria provided, single submitter. Criteria: Quest Diagnostics criteria. Collection method: clinical testing. Allele origin: germline.

Literature cited by the submitters: PubMed 21520333 (cited by Labcorp Genetics (formerly Invitae), Labcorp).

NM_000059.4(BRCA2):c.1940G>A (p.Cys647Tyr)

Gene: BRCA2 (BRCA2 DNA repair associated; plus strand). Cytogenetic location: 13q13.1.
Variant type: single nucleotide variant.
Coding change: c.1940G>A on transcript NM_000059.4 (MANE Select); coding-DNA position 1940, G replaced by A.
Protein change: p.Cys647Tyr; replaces cysteine 647 with tyrosine.
Molecular consequence: missense variant.
Genome position (GRCh38, 1-based): chr13:32,336,295, G>A. VCF-style: chr13-32336295-G-A. GRCh37 (hg19) VCF-style: chr13-32910432-G-A.
Other names: short protein forms C647Y.
Identifiers: ClinVar variation 479311 (VCV000479311.19), dbSNP rs1555282368, ClinGen allele CA387768359.
Genomic context (GRCh38, chr13:32,336,295, plus strand): 5'-AATTTTGTCACTTTGTGTTTTTATGTTTAGGTTTATTGCATTCTTCTGTGAAAAGAAGCT[G>A]TTCACAGAATGATTCTGAAGAACCAACTTTGTCCTTAACTAGCTCTTTTGGGACAATTCT-3'
Protein context (NP_000050.3, residues 637-657): GLLHSSVKRS[Cys647Tyr]SQNDSEEPTL